The following is an entry in ClinVar:

ClinVar aggregate classification (germline): Conflicting classifications of pathogenicity. Review status: criteria provided, conflicting classifications (1 of 4 stars). 5 submissions from 5 submitters: Uncertain significance (1); Benign (1); Likely benign (2). 1 of the submissions does not count toward it. Last evaluated 2026-02-04.

Conditions:
BMP1-related disorder. Also called: BMP1-related condition.
Osteogenesis imperfecta type 13. Also called: OI, TYPE XIII; Osteogenesis imperfecta, type xiii. Identifiers: Orphanet 666, MedGen C3553887, MONDO:0013924, OMIM 614856.

Allele frequency attached by ClinVar (database versions not stated): gnomAD exomes 0.00070 and 0.00088; ExAC 0.00084; gnomAD 0.00105 and 0.00113; TOPMed 0.00107; ESP Exome Variant Server 0.00123.
gnomAD v4.1: 1,445 of 1,614,090 alleles (0.09%); highest among the groups gnomAD compares: African/African-American, 0.21%; 1 homozygote.

Submissions (5):

Labcorp Genetics (formerly Invitae), Labcorp
Classification: Benign. Last evaluated: 2026-02-04. Review status: criteria provided, single submitter. Criteria: Invitae Variant Classification Sherloc (09022015). Collection method: clinical testing. Allele origin: germline.

Blueprint Genetics
Classification: Likely benign. Last evaluated: 2024-09-19. Review status: criteria provided, single submitter. Criteria: ACMG Guidelines, 2015. Collection method: clinical testing. Allele origin: germline.

GeneDx
Classification: Likely benign. Last evaluated: 2020-04-23. Review status: criteria provided, single submitter. Criteria: GeneDx Variant Classification Process June 2021. Collection method: clinical testing. Allele origin: germline. Affected: yes.

Illumina Laboratory Services, Illumina
Classification: Uncertain significance for Osteogenesis imperfecta type 13. Last evaluated: 2018-01-12. Review status: criteria provided, single submitter. Criteria: ICSL Variant Classification Criteria 13 December 2019. Collection method: clinical testing. Allele origin: germline.

PreventionGenetics, part of Exact Sciences
Classification: Likely benign for BMP1-related condition. Last evaluated: 2019-09-23. Review status: no assertion criteria provided. Collection method: clinical testing. Allele origin: germline. Not counted in ClinVar's aggregate classification.
Comment: This variant is classified as likely benign based on ACMG/AMP sequence variant interpretation guidelines (Richards et al. 2015 PMID: 25741868, with internal and published modifications).

NM_006129.5(BMP1):c.2406C>T (p.Tyr802=)

Gene: BMP1 (bone morphogenetic protein 1; plus strand). Cytogenetic location: 8p21.3.
Variant type: single nucleotide variant.
Coding change: c.2406C>T on transcript NM_006129.5 (MANE Select); coding-DNA position 2406, C replaced by T.
Protein change: p.Tyr802=; no amino-acid change (tyrosine 802 retained).
Molecular consequence: synonymous variant. On other transcripts: non-coding transcript variant (1).
Genome position (GRCh38, 1-based): chr8:22,207,347, C>T. VCF-style: chr8-22207347-C-T. GRCh37 (hg19) VCF-style: chr8-22064860-C-T.
Identifiers: ClinVar variation 362594 (VCV000362594.18), dbSNP rs144666655, ClinGen allele CA4665235.
Genomic context (GRCh38, chr8:22,207,347, plus strand): 5'-TTCCTCATCCCCCTAGACCTTCATGGAGATGGACATCGAGTCCCAGCCTGAGTGTGCCTA[C>T]GACCACCTAGAGGTGTTCGACGGGCGAGACGCCAAGGCCCCCGTCCTCGGCCGCTTCTGT-3'
Protein context (NP_006120.1, residues 792-812): MDIESQPECA[Tyr802=]DHLEVFDGRD